The following is an entry in ClinVar:

ClinVar aggregate classification (germline): Uncertain significance (1 of 4 stars; one submission).

Allele frequency attached by ClinVar (database versions not stated): TOPMed below 0.00001; ExAC 0.00001; gnomAD 0.00001; gnomAD exomes 0.00001; 1000 Genomes Project 0.00020; 1000 Genomes Project 30x 0.00031.

Submission:

Labcorp Genetics (formerly Invitae), Labcorp
Classification: Uncertain significance. Last evaluated: 2022-02-06. Review status: criteria provided, single submitter. Criteria: Invitae Variant Classification Sherloc (09022015). Collection method: clinical testing. Allele origin: germline.
Comment: This sequence change affects codon 139 of the DGAT1 mRNA. It is a 'silent' change, meaning that it does not change the encoded amino acid sequence of the DGAT1 protein. This variant is present in population databases (rs557018553, gnomAD 0.007%). This variant has not been reported in the literature in individuals affected with DGAT1-related conditions. Algorithms developed to predict the effect of sequence changes on RNA splicing suggest that this variant may create or strengthen a splice site. In summary, the available evidence is currently insufficient to determine the role of this variant in disease. Therefore, it has been classified as a Variant of Uncertain Significance.

NM_012079.6(DGAT1):c.417G>A (p.Ala139=)

Gene: DGAT1 (diacylglycerol O-acyltransferase 1; minus strand). Cytogenetic location: 8q24.3.
Variant type: single nucleotide variant.
Coding change: c.417G>A on transcript NM_012079.6 (MANE Select); coding-DNA position 417, G replaced by A.
Protein change: p.Ala139=; no amino-acid change (alanine 139 retained).
Molecular consequence: synonymous variant.
Genome position (GRCh38, 1-based): chr8:144,318,750, C>T on the plus strand (G>A on the coding strand, the complement: DGAT1 is on the minus strand). VCF-style: chr8-144318750-C-T. GRCh37 (hg19) VCF-style: chr8-145542413-C-T.
Identifiers: ClinVar variation 1970338 (VCV001970338.2), dbSNP rs557018553, ClinGen allele CA4937049.
Genomic context (GRCh38, chr8:144,318,750, plus strand): 5'-ACTGCTTACCACCGCCAGGCGCTTCTCAACCTGGAATGCAGCCACAGCAAAGACATTGGC[C>T]GCTGTGGACAGAAGCACCAAGGGGCAGGTTTAGGGCCACGTCAGCCTGATCCCCACCCGA-3'
Protein context (NP_036211.2, residues 129-149): YSWPAPCLVI[Ala139=]ANVFAVAAFQ